The following is an entry in ClinVar:

NM_001281740.3(FHOD3):c.3662G>A (p.Ser1221Asn)

Gene: FHOD3 (formin homology 2 domain containing 3; plus strand). Cytogenetic location: 18q12.2.
Variant type: single nucleotide variant.
Coding change: c.3662G>A on transcript NM_001281740.3 (MANE Select); coding-DNA position 3662, G replaced by A.
Protein change: p.Ser1221Asn; replaces serine 1221 with asparagine.
Molecular consequence: missense variant.
Genome position (GRCh38, 1-based): chr18:36,740,741, G>A. VCF-style: chr18-36740741-G-A. GRCh37 (hg19) VCF-style: chr18-34320704-G-A.
Other names: c.3662G>A (NM_001281740.2); c.3086G>A, p.Ser1029Asn (NM_001281739.3); c.3137G>A, p.Ser1046Asn (NM_025135.5); short protein forms S1029N, S1046N, S1221N.
Identifiers: ClinVar variation 2500031 (VCV002500031.4), dbSNP rs148422896, ClinGen allele CA8942149.
Genomic context (GRCh38, chr18:36,740,741, plus strand): 5'-ATGAGGAGAAGCAGAAAATCCAGGAAGCTCAGCTGGCCAACCCTGAAATCCCCCTGGGCA[G>A]TGCAGAGCAGTTCCTCCTCACCCTGTCCTCCATCAGCGAGCTCTCTGCACGACTTCACCT-3'
Protein context (NP_001268669.1, residues 1211-1231): QLANPEIPLG[Ser1221Asn]AEQFLLTLSS

ClinVar aggregate classification (germline): Conflicting classifications of pathogenicity. Review status: criteria provided, conflicting classifications (1 of 4 stars). 4 submissions from 4 submitters: Uncertain significance (1); Likely benign (3). Last evaluated 2025-04-09.

Conditions:
Cardiomyopathy, familial hypertrophic, 28. Identifiers: MedGen C5543616, MONDO:0030317, OMIM 619402.
FHOD3-related disorder. Also called: FHOD3-related condition.

Allele frequency attached by ClinVar (database versions not stated): ExAC 0.00044; ESP Exome Variant Server 0.00054; 1000 Genomes Project 0.00060; gnomAD 0.00063; TOPMed 0.00066; 1000 Genomes Project 30x 0.00078.
gnomAD v4.1: 1,474 of 1,614,068 alleles (0.091%); highest among the groups gnomAD compares: Non-Finnish European, 0.12%; 1 homozygote.

Submissions (4):

Molecular Diagnostic Laboratory for Inherited Cardiovascular Disease, Montreal Heart Institute
Classification: Likely benign. Last evaluated: 2025-04-09. Review status: criteria provided, single submitter. Criteria: ACMG Guidelines, 2015. Collection method: clinical testing. Allele origin: germline. Affected: no.
Comment: BS1

PreventionGenetics, part of Exact Sciences
Classification: Likely benign for FHOD3-related condition. Last evaluated: 2025-01-18. Review status: criteria provided, single submitter. Criteria: ACMG Guidelines, 2015. Collection method: clinical testing. Allele origin: germline.
Comment: This variant is classified as likely benign based on ACMG/AMP sequence variant interpretation guidelines (Richards et al. 2015 PMID: 25741868, with internal and published modifications).

Blueprint Genetics
Classification: Likely benign. Last evaluated: 2024-11-11. Review status: criteria provided, single submitter. Criteria: ACMG Guidelines, 2015. Collection method: clinical testing. Allele origin: germline.

Center for Genomics, Ann and Robert H. Lurie Children's Hospital of Chicago
Classification: Uncertain significance for Cardiomyopathy, familial hypertrophic, 28. Last evaluated: 2021-03-30. Review status: criteria provided, single submitter. Criteria: ACMG Guidelines, 2015. Collection method: clinical testing. Allele origin: germline.
Comment: FHOD3 NM_025135.4 exon 18 p.Ser1046Asn (c.3137G>A): This variant has not been reported in the literature but is present in 0.1% (130/126686) of European alleles in the Genome Aggregation Database. Evolutionary conservation and computational predictive tools for this variant are unclear. In summary, data on this variant is insufficient for disease classification. Therefore, the clinical significance of this variant is uncertain.